The following is an entry in ClinVar:

NM_000384.3(APOB):c.6545A>G (p.Asp2182Gly)

Gene: APOB (apolipoprotein B; minus strand). Cytogenetic location: 2p24.1.
Variant type: single nucleotide variant.
Coding change: c.6545A>G on transcript NM_000384.3 (MANE Select); coding-DNA position 6545, A replaced by G.
Protein change: p.Asp2182Gly; replaces aspartic acid 2182 with glycine.
Molecular consequence: missense variant.
Genome position (GRCh38, 1-based): chr2:21,010,323, T>C on the plus strand (A>G on the coding strand, the complement: APOB is on the minus strand). VCF-style: chr2-21010323-T-C. GRCh37 (hg19) VCF-style: chr2-21233195-T-C.
Other names: short protein forms D2182G.
Identifiers: ClinVar variation 4087853 (VCV004087853.1).

ClinVar aggregate classification (germline): Uncertain significance (1 of 4 stars; one submission).

Submission:

GeneDx
Classification: Uncertain significance. Last evaluated: 2025-03-25. Review status: criteria provided, single submitter. Criteria: GeneDx Variant Classification Process June 2021. Collection method: clinical testing. Allele origin: germline. Affected: yes.
Comment: Not observed at significant frequency in large population cohorts (gnomAD); In silico analysis supports that this missense variant has a deleterious effect on protein structure/function; Has not been previously published as pathogenic or benign to our knowledge; Also known as p.(D2155G)